The following is an entry in ClinVar:

NM_001374623.1(PNPLA1):c.691G>A (p.Ala231Thr)

Gene: PNPLA1 (patatin like domain 1, omega-hydroxyceramide transacylase; plus strand). Cytogenetic location: 6p21.31.
Variant type: single nucleotide variant.
Coding change: c.691G>A on transcript NM_001374623.1 (MANE Select); coding-DNA position 691, G replaced by A.
Protein change: p.Ala231Thr; replaces alanine 231 with threonine.
Molecular consequence: missense variant.
Genome position (GRCh38, 1-based): chr6:36,294,376, G>A. VCF-style: chr6-36294376-G-A. GRCh37 (hg19) VCF-style: chr6-36262153-G-A.
Other names: c.691G>A, p.Ala231Thr (NM_001145717.1); c.433G>A, p.Ala145Thr (NM_001145716.2); c.406G>A, p.Ala136Thr (NM_173676.2); short protein forms A231T, A136T, A145T.
Identifiers: ClinVar variation 356561 (VCV000356561.12), dbSNP rs74946910, ClinGen allele CA3777797.

ClinVar aggregate classification (germline): Benign. Review status: criteria provided, multiple submitters, no conflicts (2 of 4 stars). 2 submissions from 2 submitters: Benign (2). Last evaluated 2026-02-02.

Conditions:
Autosomal recessive congenital ichthyosis 10 (ARCI10). Identifiers: Orphanet 79394, MedGen C3554355, MONDO:0014011, OMIM 615024.

Allele frequency attached by ClinVar (database versions not stated): ESP Exome Variant Server 0.00031; gnomAD 0.00397 and 0.00714; TOPMed 0.00678; 1000 Genomes Project 30x 0.03701; 1000 Genomes Project 0.04014.
gnomAD v4.1: 11,211 of 1,614,072 alleles (0.69%); highest among the groups gnomAD compares: East Asian, 13%; 606 homozygotes.

Submissions (2):

Labcorp Genetics (formerly Invitae), Labcorp
Classification: Benign. Last evaluated: 2026-02-02. Review status: criteria provided, single submitter. Criteria: Invitae Variant Classification Sherloc (09022015). Collection method: clinical testing. Allele origin: germline.

Illumina Laboratory Services, Illumina
Classification: Benign for Autosomal recessive congenital ichthyosis 10. Last evaluated: 2018-01-12. Review status: criteria provided, single submitter. Criteria: ICSL Variant Classification Criteria 13 December 2019. Collection method: clinical testing. Allele origin: germline.
Comment: This variant was observed in the ICSL laboratory as part of a predisposition screen in an ostensibly healthy population. It had not been previously curated by ICSL or reported in the Human Gene Mutation Database (HGMD: prior to June 1st, 2018), and was therefore a candidate for classification through an automated scoring system. Utilizing variant allele frequency, disease prevalence and penetrance estimates, and inheritance mode, an automated score was calculated to assess if this variant is too frequent to cause the disease. Based on the score and internal cut-off values, a variant classified as benign is not then subjected to further curation. The score for this variant resulted in a classification of benign for this disease.